The following is an entry in ClinVar:

ClinVar aggregate classification (germline): Uncertain significance (1 of 4 stars; one submission).

Allele frequency attached by ClinVar (database versions not stated): gnomAD exomes below 0.00001.
gnomAD v4.1: 4 of 1,613,944 alleles (0.00025%); highest among the groups gnomAD compares: Non-Finnish European, 0.00034%; no homozygotes.

Submission:

Labcorp Genetics (formerly Invitae), Labcorp
Classification: Uncertain significance. Last evaluated: 2025-03-31. Review status: criteria provided, single submitter. Criteria: Invitae Variant Classification Sherloc (09022015). Collection method: clinical testing. Allele origin: germline.
Comment: This sequence change replaces histidine, which is basic and polar, with tyrosine, which is neutral and polar, at codon 309 of the SLC27A5 protein (p.His309Tyr). This variant is not present in population databases (gnomAD no frequency). This variant has not been reported in the literature in individuals affected with SLC27A5-related conditions. ClinVar contains an entry for this variant (Variation ID: 2787129). An algorithm developed to predict the effect of missense changes on protein structure and function outputs the following: PolyPhen-2: "Benign". The tyrosine amino acid residue is found in multiple mammalian species, which suggests that this missense change does not adversely affect protein function. In summary, the available evidence is currently insufficient to determine the role of this variant in disease. Therefore, it has been classified as a Variant of Uncertain Significance.

NM_012254.3(SLC27A5):c.925C>T (p.His309Tyr)

Gene: SLC27A5 (solute carrier family 27 member 5; minus strand). Cytogenetic location: 19q13.43.
Variant type: single nucleotide variant.
Coding change: c.925C>T on transcript NM_012254.3 (MANE Select); coding-DNA position 925, C replaced by T.
Protein change: p.His309Tyr; replaces histidine 309 with tyrosine.
Molecular consequence: missense variant.
Genome position (GRCh38, 1-based): chr19:58,509,979, G>A on the plus strand (C>T on the coding strand, the complement: SLC27A5 is on the minus strand). VCF-style: chr19-58509979-G-A. GRCh37 (hg19) VCF-style: chr19-59021346-G-A.
Other names: c.673C>T, p.His225Tyr (NM_001321196.2); short protein forms H225Y, H309Y.
Identifiers: ClinVar variation 2787129 (VCV002787129.3), dbSNP rs2514246627, ClinGen allele CA407953298.
Genomic context (GRCh38, chr19:58,509,979, plus strand): 5'-CATCATCAGCTGTGGCCCCAGATAAGGACAGCATCTTGCTCATCTGCAGTACCCGCTCAT[G>A]CGTGAGGATGGCTGGCTTCGGGAGGCCTTGGGATGAAGGCATGGCAAGGGCAGGGTGGTG-3'
Protein context (NP_036386.1, residues 299-319): TGLPKPAILT[His309Tyr]ERVLQMSKML